The following is an entry in ClinVar:

NM_000368.5(TSC1):c.2781G>A (p.Lys927=)

Gene: TSC1 (TSC complex subunit 1; minus strand). Cytogenetic location: 9q34.13.
Variant type: single nucleotide variant.
Coding change: c.2781G>A on transcript NM_000368.5 (MANE Select); coding-DNA position 2781, G replaced by A.
Protein change: p.Lys927=; no amino-acid change (lysine 927 retained).
Molecular consequence: synonymous variant.
Genome position (GRCh38, 1-based): chr9:132,897,455, C>T on the plus strand (G>A on the coding strand, the complement: TSC1 is on the minus strand). VCF-style: chr9-132897455-C-T. GRCh37 (hg19) VCF-style: chr9-135772842-C-T.
Other names: c.2778G>A, p.Lys926= (NM_001162426.2); c.2628G>A, p.Lys876= (NM_001162427.2); c.2418G>A, p.Lys806= (NM_001362177.2).
Identifiers: ClinVar variation 48999 (VCV000048999.15), dbSNP rs118203733, ClinGen allele CA006995.

ClinVar aggregate classification (germline): Conflicting classifications of pathogenicity. Review status: criteria provided, conflicting classifications (1 of 4 stars). 6 submissions from 6 submitters: Uncertain significance (1); Benign (1); Likely benign (3). 1 of the submissions does not count toward it. Last evaluated 2025-10-05.

Conditions:
Tuberous sclerosis 1 (TSC1). Identifiers: Orphanet 805, MedGen C1854465, MONDO:0008612, OMIM 191100.
Tuberous sclerosis syndrome (TSC). Also called: Tuberous Sclerosis Complex; Tuberous sclerosis. Identifiers: Orphanet 805, MedGen C0041341, MONDO:0001734.
Hereditary cancer-predisposing syndrome. Also called: Neoplastic Syndromes, Hereditary; Tumor predisposition; Hereditary Cancer Syndrome; Hereditary neoplastic syndrome. Identifiers: Orphanet 140162, MedGen C0027672, MeSH D009386, MONDO:0015356.

Allele frequency attached by ClinVar (database versions not stated): ExAC 0.00001; gnomAD exomes 0.00001; TOPMed 0.00001.

Submissions (6):

Labcorp Genetics (formerly Invitae), Labcorp
Classification: Likely benign for Tuberous sclerosis 1. Last evaluated: 2025-10-05. Review status: criteria provided, single submitter. Criteria: Invitae Variant Classification Sherloc (09022015). Collection method: clinical testing. Allele origin: germline.

Color Diagnostics, LLC DBA Color Health
Classification: Likely benign for Tuberous sclerosis syndrome. Last evaluated: 2025-08-11. Review status: criteria provided, single submitter. Criteria: ACMG Guidelines, 2015. Collection method: clinical testing. Allele origin: germline.

Myriad Genetics, Inc.
Classification: Benign for Tuberous sclerosis 1. Last evaluated: 2025-04-29. Review status: criteria provided, single submitter. Criteria: Myriad Autosomal Dominant, Autosomal Recessive and X-Linked Classification Criteria (2023). Collection method: clinical testing. Allele origin: unknown.
Comment: This variant is considered benign. This variant is a silent/synonymous amino acid change and it is not expected to impact splicing.

Sema4
Classification: Uncertain significance for Hereditary cancer-predisposing syndrome. Last evaluated: 2021-12-22. Review status: criteria provided, single submitter. Criteria: Sema4 Curation Guidelines. Collection method: curation. Allele origin: germline.
Comment: To the best of our knowledge, the TSC1 c.2781G>A (p.K927=) variant has not been reported in individuals with TSC1-related disease. It was observed in 2/18394 chromosomes of the East Asian (EAS) subpopulation in the large and broad cohorts of the Genome Aggregation Database (PMID: 32461654). This variant has been reported in ClinVar (Variation ID 48999). The nucleotide is moderately conserved and in silico tools suggest that this variant may not impact splicing, though these predictions have not been confirmed by functional studies. There is no indication that this variant causes disease, but the evidence is insufficient currently to prove that conclusively. Thus, the clinical significance of this variant is currently uncertain.

Ambry Genetics
Classification: Likely benign for Hereditary cancer-predisposing syndrome. Last evaluated: 2019-11-18. Review status: criteria provided, single submitter. Criteria: Ambry Variant Classification Scheme 2023. Collection method: clinical testing. Allele origin: germline.

Tuberous sclerosis database (TSC1)
No classification provided. Condition: TSC. Review status: no classification provided. Criteria: Tuberous Sclerosis Database Assertion Criteria 2015. Collection method: curation. Allele origin: germline. Affected: yes. Not counted in ClinVar's aggregate classification.